The following is an entry in ClinVar:

ClinVar aggregate classification (germline): Benign. Review status: criteria provided, single submitter (1 of 4 stars). 2 submissions from 2 submitters: Benign (1). 1 of the submissions does not count toward it. Last evaluated 2026-01-05.

Conditions:
ANK3-related disorder. Also called: ANK3-related condition.

Allele frequency attached by ClinVar (database versions not stated): gnomAD 0.00013 and 0.00015; gnomAD exomes 0.00016 and 0.00063; TOPMed 0.00031; 1000 Genomes Project 0.00060; 1000 Genomes Project 30x 0.00062; ExAC 0.00071.
gnomAD v4.1: 249 of 1,614,030 alleles (0.015%); highest among the groups gnomAD compares: East Asian, 0.5%; 2 homozygotes.

Submissions (2):

Labcorp Genetics (formerly Invitae), Labcorp
Classification: Benign. Last evaluated: 2026-01-05. Review status: criteria provided, single submitter. Criteria: Invitae Variant Classification Sherloc (09022015). Collection method: clinical testing. Allele origin: germline.

PreventionGenetics, part of Exact Sciences
Classification: Benign for ANK3-related condition. Last evaluated: 2019-05-02. Review status: no assertion criteria provided. Collection method: clinical testing. Allele origin: germline. Not counted in ClinVar's aggregate classification.
Comment: This variant is classified as benign based on ACMG/AMP sequence variant interpretation guidelines (Richards et al. 2015 PMID: 25741868, with internal and published modifications).

NM_020987.5(ANK3):c.6846C>T (p.Ser2282=)

Genes: ANK3 (ankyrin 3; minus strand), LOC130003862 (ATAC-STARR-seq lymphoblastoid active region 3393; plus strand). Cytogenetic location: 10q21.2.
Variant type: single nucleotide variant.
Coding change: c.6846C>T on transcript NM_020987.5 (MANE Select); coding-DNA position 6846, C replaced by T.
Protein change: p.Ser2282=; no amino-acid change (serine 2282 retained).
Molecular consequence: synonymous variant. On other transcripts: intron variant (4).
Genome position (GRCh38, 1-based): chr10:60,074,035, G>A on the plus strand (C>T on the coding strand, the complement: ANK3 is on the minus strand). VCF-style: chr10-60074035-G-A. GRCh37 (hg19) VCF-style: chr10-61833793-G-A.
Other names: c.4388-6026C>T (NM_001204403.2); c.4409-6026C>T (NM_001204404.2); c.4406-6026C>T (NM_001320874.2); c.1808-6026C>T (NM_001149.4).
Identifiers: ClinVar variation 713948 (VCV000713948.10), dbSNP rs577817541, ClinGen allele CA5511803.